The following is an entry in ClinVar:

NM_000108.5(DLD):c.722C>T (p.Ala241Val)

Gene: DLD (dihydrolipoamide dehydrogenase; plus strand). Cytogenetic location: 7q31.1.
Variant type: single nucleotide variant.
Coding change: c.722C>T on transcript NM_000108.5 (MANE Select); coding-DNA position 722, C replaced by T.
Protein change: p.Ala241Val; replaces alanine 241 with valine.
Molecular consequence: missense variant.
Genome position (GRCh38, 1-based): chr7:107,915,543, C>T. VCF-style: chr7-107915543-C-T. GRCh37 (hg19) VCF-style: chr7-107555988-C-T.
Other names: p.A241V:GCA>GTA; c.425C>T, p.Ala142Val (NM_001289750.1); c.653C>T, p.Ala218Val (NM_001289751.1); c.578C>T, p.Ala193Val (NM_001289752.1); short protein forms A241V, A193V, A142V, A218V.
Identifiers: ClinVar variation 203679 (VCV000203679.2), dbSNP rs796051951, ClinGen allele CA312462.

ClinVar aggregate classification (germline): Uncertain significance (1 of 4 stars; one submission).

Allele frequency attached by ClinVar (database versions not stated): gnomAD exomes below 0.00001.
gnomAD v4.1: 1 of 1,613,786 alleles (0.000062%); highest among the groups gnomAD compares: Non-Finnish European, 0.000085%; no homozygotes.

Submission:

GeneDx
Classification: Uncertain significance. Last evaluated: 2013-02-25. Review status: criteria provided, single submitter. Criteria: GeneDx Variant Classification (06012015). Collection method: clinical testing. Allele origin: germline. Affected: yes.
Comment: p.Ala241Val (GCA>GTA): c.722 C>T in exon 9 of the DLD gene (NM_000108.3) Mutations in the DLD gene are associated with the autosomal recessive disorder dihydrolipoamide dehydrogenase deficiency. The c.722 C>T sequence change has not been published as a mutation, nor has it been reported as a benign polymorphism to our knowledge. Multiple in-silico prediction algorithms predict that c.722 C>T may create a cryptic splice donor site which would be expected to lead to abnormal gene splicing; however, the true effect of c.722 C>T in vivo is not known. Therefore, based on the currently available information, it is unclear whether c.722 C>T is a disease-causing mutation or a rare benign variant. The variant is found in MITONUC-MITOP panel(s).